The following is an entry in ClinVar:

ClinVar aggregate classification (germline): Conflicting classifications of pathogenicity. Review status: criteria provided, conflicting classifications (1 of 4 stars). 10 submissions from 10 submitters: Uncertain significance (1); Benign (2); Likely benign (4). 3 of the submissions do not count toward it. Last evaluated 2025-12-19.

Conditions:
Alport syndrome. Also called: Hemorrhagic familial nephritis; Hemorrhagic hereditary nephritis; Congenital hereditary hematuria. Identifiers: Orphanet 63, MedGen C1567741, MONDO:0018965.

Allele frequency attached by ClinVar (database versions not stated): ExAC 0.00022; gnomAD exomes 0.00026; gnomAD 0.00030 and 0.00031; ESP Exome Variant Server 0.00033; TOPMed 0.00036; 1000 Genomes Project 30x 0.00078; 1000 Genomes Project 0.00080.
gnomAD v4.1: 311 of 1,614,182 alleles (0.019%); highest among the groups gnomAD compares: Middle Eastern, 0.25%; no homozygotes.

Submissions (10):

Labcorp Genetics (formerly Invitae), Labcorp
Classification: Benign. Last evaluated: 2025-12-19. Review status: criteria provided, single submitter. Criteria: Invitae Variant Classification Sherloc (09022015). Collection method: clinical testing. Allele origin: germline.

Mayo Clinic Laboratories, Mayo Clinic
Classification: Likely benign. Last evaluated: 2025-10-23. Review status: criteria provided, single submitter. Criteria: ACMG Guidelines, 2015. Collection method: clinical testing. Allele origin: germline. Observed: 1 variant allele.
Comment: BP4, BP7

Blueprint Genetics
Classification: Likely benign. Last evaluated: 2024-11-25. Review status: criteria provided, single submitter. Criteria: ACMG Guidelines, 2015. Collection method: clinical testing. Allele origin: germline.

CeGaT Center for Human Genetics Tuebingen
Classification: Likely benign. Last evaluated: 2022-11-01. Review status: criteria provided, single submitter. Criteria: CeGaT Center For Human Genetics Tuebingen Variant Classification Criteria Version 2. Collection method: clinical testing. Allele origin: germline. Affected: yes. Observed: 1 variant allele.
Comment: COL4A4: BP4, BP7

Athena Diagnostics
Classification: Benign. Last evaluated: 2020-09-01. Review status: criteria provided, single submitter. Criteria: Athena Diagnostics criteria. Collection method: clinical testing. Allele origin: unknown.

GeneDx
Classification: Likely benign. Last evaluated: 2020-04-14. Review status: criteria provided, single submitter. Criteria: GeneDx Variant Classification Process June 2021. Collection method: clinical testing. Allele origin: germline. Affected: yes.

Illumina Laboratory Services, Illumina
Classification: Uncertain significance for Alport syndrome. Last evaluated: 2018-01-13. Review status: criteria provided, single submitter. Criteria: ICSL Variant Classification Criteria 13 December 2019. Collection method: clinical testing. Allele origin: germline.

Natera, Inc.
Classification: Uncertain significance for Alport syndrome. Last evaluated: 2020-01-24. Review status: no assertion criteria provided. Collection method: clinical testing. Allele origin: germline. Not counted in ClinVar's aggregate classification.

Genome Diagnostics Laboratory, University Medical Center Utrecht
Classification: Likely benign. Review status: no assertion criteria provided. Collection method: clinical testing. Allele origin: germline. Affected: yes. Study: VKGL Data-share Consensus. Not counted in ClinVar's aggregate classification.

Joint Genome Diagnostic Labs from Nijmegen and Maastricht, Radboudumc and MUMC+
Classification: Likely benign. Review status: no assertion criteria provided. Collection method: clinical testing. Allele origin: germline. Affected: yes. Study: VKGL Data-share Consensus. Not counted in ClinVar's aggregate classification.

NM_000092.5(COL4A4):c.3108T>C (p.Gly1036=)

Gene: COL4A4 (collagen type IV alpha 4 chain; minus strand). Cytogenetic location: 2q36.3.
Variant type: single nucleotide variant.
Coding change: c.3108T>C on transcript NM_000092.5 (MANE Select); coding-DNA position 3108, T replaced by C.
Protein change: p.Gly1036=; no amino-acid change (glycine 1036 retained).
Molecular consequence: synonymous variant.
Genome position (GRCh38, 1-based): chr2:227,051,019, A>G on the plus strand (T>C on the coding strand, the complement: COL4A4 is on the minus strand). VCF-style: chr2-227051019-A-G. GRCh37 (hg19) VCF-style: chr2-227915735-A-G.
Other names: p.Gly1036=.
Identifiers: ClinVar variation 733775 (VCV000733775.47), dbSNP rs201962241, ClinGen allele CA2144635.